The following is an entry in ClinVar:

ClinVar aggregate classification (germline): Uncertain significance. Review status: criteria provided, multiple submitters, no conflicts (2 of 4 stars). 3 submissions from 3 submitters: Uncertain significance (3). Last evaluated 2025-05-26.

Conditions:
ALG8 congenital disorder of glycosylation. Also called: CONGENITAL DISORDER OF GLYCOSYLATION, TYPE Ih; CDG Ih; ALG8-CDG. Identifiers: Orphanet 79325, MedGen C2931002, MONDO:0011969, OMIM 608104.
Polycystic liver disease 3 with or without kidney cysts. Identifiers: MedGen C4693472, MONDO:0054743, OMIM 617874.
Inborn genetic diseases. Identifiers: MedGen C0950123, MeSH D030342.

Allele frequency attached by ClinVar (database versions not stated): gnomAD 0.00001 and 0.00002; gnomAD exomes 0.00001 and 0.00002; TOPMed 0.00002.

Submissions (3):

Ambry Genetics
Classification: Uncertain significance for Inborn genetic diseases. Last evaluated: 2025-05-26. Review status: criteria provided, single submitter. Criteria: Ambry Variant Classification Scheme 2023. Collection method: clinical testing. Allele origin: germline.

Victorian Clinical Genetics Services, Murdoch Childrens Research Institute
Classification: Uncertain significance for Polycystic liver disease 3 with or without kidney cysts. Last evaluated: 2024-10-31. Review status: criteria provided, single submitter. Criteria: ACMG Guidelines, 2015. Collection method: clinical testing. Allele origin: germline. Affected: yes.
Comment: This variant is classified as VUS-3B. Evidence in support of pathogenic classification: Variant is present in gnomAD <0.01 (v4: 12 heterozygote(s), 0 homozygote(s)); Missense variant consistently predicted to be damaging by an in silico tool or highly conserved with a major amino acid change. Additional information: Variant is predicted to result in a missense amino acid change from alanine to threonine; This variant is heterozygous; This gene is associated with both recessive and dominant disease, where the same variants have been reported to cause both conditions (PMID: 28375157, 26066342); An alternative amino acid change at the same position has been observed in gnomAD (v4: 5 heterozygote(s), 0 homozygote(s)); Previous evidence of pathogenicity for this variant is inconclusive. This variant has been classified as a VUS and observed in an individual from a predisposition screen cohort by a clinical laboratory in ClinVar; No published segregation evidence has been identified for this variant; No published functional evidence has been identified for this variant; No comparable missense variants have previous evidence for pathogenicity; Variant is located in the annotated ALG6, ALG8 glycosyltransferase family domain (DECIPHER); Loss of function is a known mechanism of disease in this gene and is associated with congenital disorder of glycosylation, type Ih (MIM#608104) and polycystic liver disease 3 with or without kidney cysts (MIM#617874); Variants in this gene are known to have variable expressivity (OMIM); Inheritance information for this variant is not currently available in this individual.

Illumina Laboratory Services, Illumina
Classification: Uncertain significance for ALG8 congenital disorder of glycosylation. Last evaluated: 2018-01-12. Review status: criteria provided, single submitter. Criteria: ICSL Variant Classification Criteria 13 December 2019. Collection method: clinical testing. Allele origin: germline.

Literature cited by the submitters: PubMed 28375157 (cited by Victorian Clinical Genetics Services, Murdoch Childrens Research Institute); PubMed 26066342 (cited by Victorian Clinical Genetics Services, Murdoch Childrens Research Institute).

NM_024079.5(ALG8):c.616G>A (p.Ala206Thr)

Gene: ALG8 (ALG8 alpha-1,3-glucosyltransferase; minus strand). Cytogenetic location: 11q14.1.
Variant type: single nucleotide variant.
Coding change: c.616G>A on transcript NM_024079.5 (MANE Select); coding-DNA position 616, G replaced by A.
Protein change: p.Ala206Thr; replaces alanine 206 with threonine.
Molecular consequence: missense variant.
Genome position (GRCh38, 1-based): chr11:78,114,323, C>T on the plus strand (G>A on the coding strand, the complement: ALG8 is on the minus strand). VCF-style: chr11-78114323-C-T. GRCh37 (hg19) VCF-style: chr11-77825369-C-T.
Other names: c.616G>A, p.Ala206Thr (NM_001007027.3); short protein forms A206T.
Identifiers: ClinVar variation 306223 (VCV000306223.8), dbSNP rs769894472, ClinGen allele CA10631576.